The following is an entry in ClinVar:

NM_014727.3(KMT2B):c.6533G>T (p.Gly2178Val)

Gene: KMT2B (lysine methyltransferase 2B; plus strand). Cytogenetic location: 19q13.12.
Variant type: single nucleotide variant.
Coding change: c.6533G>T on transcript NM_014727.3 (MANE Select); coding-DNA position 6533, G replaced by T.
Protein change: p.Gly2178Val; replaces glycine 2178 with valine.
Molecular consequence: missense variant.
Genome position (GRCh38, 1-based): chr19:35,733,082, G>T. VCF-style: chr19-35733082-G-T. GRCh37 (hg19) VCF-style: chr19-36223983-G-T.
Other names: short protein forms G2178V.
Identifiers: ClinVar variation 3630306 (VCV003630306.3).

ClinVar aggregate classification (germline): Uncertain significance (1 of 4 stars; one submission).

Submission:

Labcorp Genetics (formerly Invitae), Labcorp
Classification: Uncertain significance. Last evaluated: 2024-04-19. Review status: criteria provided, single submitter. Criteria: Invitae Variant Classification Sherloc (09022015). Collection method: clinical testing. Allele origin: germline.
Comment: This sequence change replaces glycine, which is neutral and non-polar, with valine, which is neutral and non-polar, at codon 2178 of the KMT2B protein (p.Gly2178Val). This variant is not present in population databases (gnomAD no frequency). This variant has not been reported in the literature in individuals affected with KMT2B-related conditions. Advanced modeling of protein sequence and biophysical properties (such as structural, functional, and spatial information, amino acid conservation, physicochemical variation, residue mobility, and thermodynamic stability) performed at Invitae indicates that this missense variant is not expected to disrupt KMT2B protein function with a negative predictive value of 95%. In summary, the available evidence is currently insufficient to determine the role of this variant in disease. Therefore, it has been classified as a Variant of Uncertain Significance.